The following is an entry in ClinVar:

NM_015102.5(NPHP4):c.629_630del (p.Gly210fs)

Gene: NPHP4 (nephrocystin 4; minus strand). Cytogenetic location: 1p36.31.
Variant type: Deletion.
Coding change: c.629_630del on transcript NM_015102.5 (MANE Select); coding-DNA positions 629 to 630, 2 bases deleted (GT; older notation c.629_630delGT).
Protein change: p.Gly210fs; shifts the reading frame from glycine 210.
Molecular consequence: frameshift variant. On other transcripts: 5 prime UTR variant (2), non-coding transcript variant (1).
Genome position (GRCh38, 1-based): chr1:5,961,837-5,961,838, AC deleted on the plus strand (GT on the coding strand, the reverse complement: NPHP4 is on the minus strand). VCF-style (leftmost placement, unchanged base first): chr1-5961836-GAC-G. GRCh37 (hg19) VCF-style: chr1-6021896-GAC-G.
Other names: c.-601_-600del (NM_001291593.2); c.-738_-737del (NM_001291594.2); short protein forms G210fs.
Identifiers: ClinVar variation 4728719 (VCV004728719.1).
Genomic context (GRCh38, chr1:5,961,836, plus strand): 5'-AATCAAAGACGCCCTTACCGGATTCTCCATGAGCTGGAAGCAGGCCAGGTATCTGCTGCA[GAC>G]CAGACACCAGAAGGTTCTCAGGAAGAAGGTGGAACGCAGGCTCCAGGGCCGGGTGTGGCT-3'

ClinVar aggregate classification (germline): Pathogenic (1 of 4 stars; one submission).

Conditions:
Nephronophthisis. Also called: Juvenile Nephronophthisis. Identifiers: Orphanet 655, MedGen C0687120, MONDO:0019005, HP:0000090.

Submission:

Labcorp Genetics (formerly Invitae), Labcorp
Classification: Pathogenic for Nephronophthisis. Last evaluated: 2025-10-14. Review status: criteria provided, single submitter. Criteria: Invitae Variant Classification Sherloc (09022015). Collection method: clinical testing. Allele origin: germline.
Comment: This sequence change creates a premature translational stop signal (p.Gly210Alafs*33) in the NPHP4 gene. It is expected to result in an absent or disrupted protein product. Loss-of-function variants in NPHP4 are known to be pathogenic (PMID: 12205563, 23559409). This variant is not present in population databases (gnomAD no frequency). This variant has not been reported in the literature in individuals affected with NPHP4-related conditions. For these reasons, this variant has been classified as Pathogenic.

Literature cited by the submitters: PubMed 12205563; PubMed 23559409.